The following is an entry in ClinVar:

NM_001286445.3(RIPOR2):c.1164+419G>A

Gene: RIPOR2 (RHO family interacting cell polarization regulator 2; minus strand). Cytogenetic location: 6p22.3.
Variant type: single nucleotide variant.
Coding change: c.1164+419G>A on transcript NM_001286445.3 (MANE Select); 419 bases into the intron after coding-DNA position 1164, G replaced by A.
Molecular consequence: intron variant. On other transcripts: missense variant (1).
Genome position (GRCh38, 1-based): chr6:24,847,606, C>T on the plus strand (G>A on the coding strand, the complement: RIPOR2 is on the minus strand). VCF-style: chr6-24847606-C-T. GRCh37 (hg19) VCF-style: chr6-24847834-C-T.
Other names: c.1163G>A (NM_014722.3); c.1163G>A, p.Arg388His (NM_014722.5); c.1077+419G>A (NM_001346031.2, NM_001346032.2, NM_015864.5 and 1 more transcripts); c.1179+419G>A (NM_001286446.3); short protein forms R388H.
Identifiers: ClinVar variation 3154613 (VCV003154613.4), dbSNP rs926187053, ClinGen allele CA136179542.

ClinVar aggregate classification (germline): Uncertain significance. Review status: criteria provided, multiple submitters, no conflicts (2 of 4 stars). 3 submissions from 3 submitters: Uncertain significance (3). Last evaluated 2025-01-23.

Allele frequency attached by ClinVar (database versions not stated): gnomAD 0.00002; gnomAD exomes 0.00002.
gnomAD v4.1: 34 of 1,551,550 alleles (0.0022%); highest among the groups gnomAD compares: East Asian, 0.051%; no homozygotes.

Submissions (3):

GeneDx
Classification: Uncertain significance. Last evaluated: 2025-01-23. Review status: criteria provided, single submitter. Criteria: GeneDx Variant Classification Process June 2021. Collection method: clinical testing. Allele origin: germline. Affected: yes.
Comment: In silico analysis indicates that this missense variant does not alter protein structure/function; Has not been previously published as pathogenic or benign to our knowledge

Labcorp Genetics (formerly Invitae), Labcorp
Classification: Uncertain significance. Last evaluated: 2024-08-01. Review status: criteria provided, single submitter. Criteria: Invitae Variant Classification Sherloc (09022015). Collection method: clinical testing. Allele origin: germline.
Comment: This sequence change replaces arginine, which is basic and polar, with histidine, which is basic and polar, at codon 388 of the FAM65B protein (p.Arg388His). This variant is present in population databases (no rsID available, gnomAD 0.01%). This variant has not been reported in the literature in individuals affected with FAM65B-related conditions. An algorithm developed to predict the effect of missense changes on protein structure and function outputs the following: PolyPhen-2: "Benign". The histidine amino acid residue is found in multiple mammalian species, which suggests that this missense change does not adversely affect protein function. In summary, the available evidence is currently insufficient to determine the role of this variant in disease. Therefore, it has been classified as a Variant of Uncertain Significance.

Ambry Genetics
Classification: Uncertain significance. Last evaluated: 2024-01-03. Review status: criteria provided, single submitter. Criteria: Ambry Variant Classification Scheme 2023. Collection method: clinical testing. Allele origin: germline.